The following is an entry in ClinVar:

ClinVar aggregate classification (germline): Conflicting classifications of pathogenicity. Review status: criteria provided, conflicting classifications (1 of 4 stars). 2 submissions from 2 submitters: Uncertain significance (1); Likely benign (1). Last evaluated 2025-10-16.

Allele frequency attached by ClinVar (database versions not stated): gnomAD exomes below 0.00001; gnomAD 0.00004; TOPMed 0.00004.
gnomAD v4.1: 9 of 1,613,706 alleles (0.00056%); highest among the groups gnomAD compares: African/African-American, 0.012%; no homozygotes.

Submissions (2):

Mayo Clinic Laboratories, Mayo Clinic
Classification: Uncertain significance. Last evaluated: 2025-10-16. Review status: criteria provided, single submitter. Criteria: ACMG Guidelines, 2015. Collection method: clinical testing. Allele origin: germline. Observed: 1 variant allele.
Comment: PM2_supporting

Labcorp Genetics (formerly Invitae), Labcorp
Classification: Likely benign. Last evaluated: 2024-01-30. Review status: criteria provided, single submitter. Criteria: Invitae Variant Classification Sherloc (09022015). Collection method: clinical testing. Allele origin: germline.

NM_015294.6(TRIM37):c.807C>T (p.Thr269=)

Gene: TRIM37 (tripartite motif containing 37; minus strand). Cytogenetic location: 17q22.
Variant type: single nucleotide variant.
Coding change: c.807C>T on transcript NM_015294.6 (MANE Select); coding-DNA position 807, C replaced by T.
Protein change: p.Thr269=; no amino-acid change (threonine 269 retained).
Molecular consequence: synonymous variant. On other transcripts: non-coding transcript variant (2).
Genome position (GRCh38, 1-based): chr17:59,070,825, G>A on the plus strand (C>T on the coding strand, the complement: TRIM37 is on the minus strand). VCF-style: chr17-59070825-G-A. GRCh37 (hg19) VCF-style: chr17-57148186-G-A.
Other names: p.Thr269=; c.807C>T, p.Thr269= (NM_001005207.5, NM_001320988.3, NM_001320989.3 and 2 more transcripts); c.705C>T, p.Thr235= (NM_001320987.3, NM_001353082.2); c.441C>T, p.Thr147= (NM_001320990.3); c.72C>T, p.Thr24= (NM_001353083.2); c.345C>T, p.Thr115= (NM_001353085.2).
Identifiers: ClinVar variation 2965476 (VCV002965476.4), dbSNP rs987070540, ClinGen allele CA292084189.